The following is an entry in ClinVar:

ClinVar aggregate classification (germline): Uncertain significance (1 of 4 stars; one submission).

gnomAD v4.1: 2 of 1,599,458 alleles (0.00013%); highest among the groups gnomAD compares: Non-Finnish European, 0.00017%; no homozygotes.

Submission:

Women's Health and Genetics/Laboratory Corporation of America, LabCorp
Classification: Uncertain significance. Last evaluated: 2025-10-23. Review status: criteria provided, single submitter. Criteria: LabCorp Variant Classification Summary - May 2015. Collection method: clinical testing. Allele origin: germline.
Comment: Variant summary: DPYD c.1939A>G (p.Lys647Glu) results in a conservative amino acid change in the encoded protein sequence. Algorithms developed to predict the effect of missense changes on protein structure and function are either unavailable or do not agree on the potential impact of this missense change. The variant was absent in 246952 control chromosomes. The available data on variant occurrences in the general population are insufficient to allow any conclusion about variant significance. To our knowledge, no occurrence of c.1939A>G in individuals affected with DPYD-related conditions and no experimental evidence demonstrating its impact on protein function have been reported. No submitters have cited clinical-significance assessments for this variant to ClinVar. Based on the evidence outlined above, the variant was classified as uncertain significance.

NM_000110.4(DPYD):c.1939A>G (p.Lys647Glu)

Gene: DPYD (dihydropyrimidine dehydrogenase; minus strand). Cytogenetic location: 1p21.3.
Variant type: single nucleotide variant.
Coding change: c.1939A>G on transcript NM_000110.4 (MANE Select); coding-DNA position 1939, A replaced by G.
Protein change: p.Lys647Glu; replaces lysine 647 with glutamic acid.
Molecular consequence: missense variant.
Genome position (GRCh38, 1-based): chr1:97,382,428, T>C on the plus strand (A>G on the coding strand, the complement: DPYD is on the minus strand). VCF-style: chr1-97382428-T-C. GRCh37 (hg19) VCF-style: chr1-97847984-T-C.
Other names: short protein forms K647E.
Identifiers: ClinVar variation 4687807 (VCV004687807.1).